The following is an entry in ClinVar:

ClinVar aggregate classification (germline): Conflicting classifications of pathogenicity. Review status: criteria provided, conflicting classifications (1 of 4 stars). 2 submissions from 2 submitters: Uncertain significance (1); Likely benign (1). Last evaluated 2022-08-04.

Conditions:
Primary ciliary dyskinesia. Also called: Ciliary dyskinesia. Identifiers: Orphanet 244, MedGen C0008780, MONDO:0016575, HP:0012265.

Allele frequency attached by ClinVar (database versions not stated): ExAC 0.00001; gnomAD 0.00001; gnomAD exomes 0.00001; TOPMed 0.00003.
gnomAD v4.1: 20 of 1,614,006 alleles (0.0012%); highest among the groups gnomAD compares: Admixed American, 0.0017%; no homozygotes.

Submissions (2):

Labcorp Genetics (formerly Invitae), Labcorp
Classification: Uncertain significance for Primary ciliary dyskinesia. Last evaluated: 2022-08-04. Review status: criteria provided, single submitter. Criteria: Invitae Variant Classification Sherloc (09022015). Collection method: clinical testing. Allele origin: germline.
Comment: This sequence change replaces glycine, which is neutral and non-polar, with arginine, which is basic and polar, at codon 15 of the DNAI2 protein (p.Gly15Arg). This variant is present in population databases (rs758997612, gnomAD 0.004%). This variant has not been reported in the literature in individuals affected with DNAI2-related conditions. ClinVar contains an entry for this variant (Variation ID: 261649). Algorithms developed to predict the effect of missense changes on protein structure and function are either unavailable or do not agree on the potential impact of this missense change (SIFT: "Deleterious"; PolyPhen-2: "Probably Damaging"; Align-GVGD: "Class C15"). In summary, the available evidence is currently insufficient to determine the role of this variant in disease. Therefore, it has been classified as a Variant of Uncertain Significance.

PreventionGenetics, part of Exact Sciences
Classification: Likely benign. Review status: criteria provided, single submitter. Criteria: ACMG Guidelines, 2015. Collection method: clinical testing. Allele origin: germline.

NM_023036.6(DNAI2):c.43G>A (p.Gly15Arg)

Gene: DNAI2 (dynein axonemal intermediate chain 2; plus strand). Cytogenetic location: 17q25.1.
Variant type: single nucleotide variant.
Coding change: c.43G>A on transcript NM_023036.6 (MANE Select); coding-DNA position 43, G replaced by A.
Protein change: p.Gly15Arg; replaces glycine 15 with arginine.
Molecular consequence: missense variant. On other transcripts: non-coding transcript variant (1).
Genome position (GRCh38, 1-based): chr17:74,281,860, G>A. VCF-style: chr17-74281860-G-A. GRCh37 (hg19) VCF-style: chr17-72277999-G-A.
Other names: c.43G>A, p.Gly15Arg (NM_001172810.3, NM_001353167.2); short protein forms G15R.
Identifiers: ClinVar variation 261649 (VCV000261649.4), dbSNP rs758997612, ClinGen allele CA8745232.